The following is an entry in ClinVar:

ClinVar aggregate classification (germline): Uncertain significance (1 of 4 stars; one submission).

Allele frequency attached by ClinVar (database versions not stated): gnomAD exomes below 0.00001.
gnomAD v4.1: 2 of 1,613,962 alleles (0.00012%); highest among the groups gnomAD compares: Non-Finnish European, 0.000085%; no homozygotes.

Submission:

Labcorp Genetics (formerly Invitae), Labcorp
Classification: Uncertain significance. Last evaluated: 2024-02-24. Review status: criteria provided, single submitter. Criteria: Invitae Variant Classification Sherloc (09022015). Collection method: clinical testing. Allele origin: germline.
Comment: The COL18A1 gene has multiple clinically relevant transcripts. This variant occurs in alternate transcript NM_030582.3, and corresponds to NM_130445.3:c.107-12525C>T in the primary transcript. This sequence change replaces histidine, which is basic and polar, with tyrosine, which is neutral and polar, at codon 63 of the COL18A1 protein (p.His63Tyr). This variant is not present in population databases (gnomAD no frequency). This variant has not been reported in the literature in individuals affected with COL18A1-related conditions. ClinVar contains an entry for this variant (Variation ID: 1513019). Experimental studies and prediction algorithms are not available or were not evaluated, and the functional significance of this variant is currently unknown. Algorithms developed to predict the effect of sequence changes on RNA splicing suggest that this variant is not likely to affect RNA splicing. In summary, the available evidence is currently insufficient to determine the role of this variant in disease. Therefore, it has been classified as a Variant of Uncertain Significance.

NM_001379500.1(COL18A1):c.107-12525C>T

Gene: COL18A1 (collagen type XVIII alpha 1 chain; plus strand). Cytogenetic location: 21q22.3.
Variant type: single nucleotide variant.
Coding change: c.107-12525C>T on transcript NM_001379500.1 (MANE Select); 12525 bases into the intron before coding-DNA position 107, C replaced by T.
Molecular consequence: intron variant. On other transcripts: missense variant (2).
Genome position (GRCh38, 1-based): chr21:45,455,717, C>T. VCF-style: chr21-45455717-C-T. GRCh37 (hg19) VCF-style: chr21-46875631-C-T.
Other names: c.187C>T, p.His63Tyr (NM_030582.4, NM_130444.3); short protein forms H63Y.
Identifiers: ClinVar variation 1513019 (VCV001513019.7), dbSNP rs2145851323, ClinGen allele CA410505316.
Genomic context (GRCh38, chr21:45,455,717, plus strand): 5'-ACCACGATCCCTGAGCCCCAGGGGCCCCTGCCTGTGCAGCCCACAGCAGATACCACCACA[C>T]ACGTGACCCCCCGGAATGGTTCCACAGAGCCAGCGACAGCCCCTGGCAGCCCTGAGCCAC-3'